The following is an entry in ClinVar:

NM_000237.3(LPL):c.1373C>T (p.Ala458Val)

Gene: LPL (lipoprotein lipase; plus strand). Cytogenetic location: 8p21.3.
Variant type: single nucleotide variant.
Coding change: c.1373C>T on transcript NM_000237.3 (MANE Select); coding-DNA position 1373, C replaced by T.
Protein change: p.Ala458Val; replaces alanine 458 with valine.
Molecular consequence: missense variant.
Genome position (GRCh38, 1-based): chr8:19,962,165, C>T. VCF-style: chr8-19962165-C-T. GRCh37 (hg19) VCF-style: chr8-19819676-C-T.
Other names: short protein forms A458V.
Identifiers: ClinVar variation 911649 (VCV000911649.6), dbSNP rs140236957, ClinGen allele CA4655725.

ClinVar aggregate classification (germline): Uncertain significance. Review status: criteria provided, multiple submitters, no conflicts (2 of 4 stars). 2 submissions from 2 submitters: Uncertain significance (2). Last evaluated 2023-10-10.

Conditions:
Cardiovascular phenotype. Identifiers: MedGen CN230736.
Hyperlipoproteinemia, type I. Also called: HYPERLIPOPROTEINEMIA, TYPE IA; LPL DEFICIENCY; Lipoprotein Lipase Deficiency; Hyperlipoproteinemia type 1; Hyperchylomicro-nemia familial; Familial chylomicronemia. Identifiers: Orphanet 309015, Orphanet 444490, MedGen C0023817, MONDO:0009387, OMIM 238600. Disease mechanism: loss of function.

Allele frequency attached by ClinVar (database versions not stated): gnomAD 0.00001; ESP Exome Variant Server 0.00015; gnomAD exomes 0.00005 and 0.00004; ExAC 0.00002; TOPMed 0.00004.
gnomAD v4.1: 75 of 1,613,792 alleles (0.0046%); highest among the groups gnomAD compares: Non-Finnish European, 0.0058%; no homozygotes.

Submissions (2):

Ambry Genetics
Classification: Uncertain significance for Cardiovascular phenotype. Last evaluated: 2023-10-10. Review status: criteria provided, single submitter. Criteria: Ambry Variant Classification Scheme 2023. Collection method: clinical testing. Allele origin: germline.
Comment: The p.A458V variant (also known as c.1373C>T), located in coding exon 9 of the LPL gene, results from a C to T substitution at nucleotide position 1373. The alanine at codon 458 is replaced by valine, an amino acid with similar properties. This amino acid position is conserved. In addition, this alteration is predicted to be tolerated by in silico analysis. Since supporting evidence is limited at this time, the clinical significance of this alteration remains unclear.

Illumina Laboratory Services, Illumina
Classification: Uncertain significance for Hyperlipoproteinemia, type I. Last evaluated: 2018-01-13. Review status: criteria provided, single submitter. Criteria: ICSL Variant Classification Criteria 13 December 2019. Collection method: clinical testing. Allele origin: germline.